The following is an entry in ClinVar:

NM_006231.3(POLE):c.-32C>A

Genes: POLE (DNA polymerase epsilon, catalytic subunit; minus strand), LOC130009266 (ATAC-STARR-seq lymphoblastoid silent region 5123; plus strand). Cytogenetic location: 12q24.33.
Variant type: single nucleotide variant.
Coding change: c.-32C>A on transcript NM_006231.3; 32 bases upstream of the start codon, C replaced by A.
Genome position (GRCh38, 1-based): chr12:132,687,347, G>T on the plus strand (C>A on the coding strand, the complement: POLE is on the minus strand). VCF-style: chr12-132687347-G-T. GRCh37 (hg19) VCF-style: chr12-133263933-G-T.
Identifiers: ClinVar variation 512859 (VCV000512859.3), dbSNP rs764493951, ClinGen allele CA246308322.
Genomic context (GRCh38, chr12:132,687,347, plus strand): 5'-CGCCGCCGCCCGCCGCTCCTCAGAGACATGGAGCCGTTGGCTACCACCTCTGCTTCAGGG[G>T]AGAAATTTGGCGCGCTCCCACCCAGACTCGCGAGAGCCGGAAATGCCGCCGTCCATCAAG-3'

ClinVar aggregate classification (germline): Likely benign (1 of 4 stars; one submission).

Allele frequency attached by ClinVar (database versions not stated): TOPMed 0.00002.

Submission:

GeneDx
Classification: Likely benign. Last evaluated: 2017-10-25. Review status: criteria provided, single submitter. Criteria: GeneDx Variant Classification (06012015). Collection method: clinical testing. Allele origin: germline. Affected: yes.
Comment: This variant is considered likely benign or benign based on one or more of the following criteria: it is a conservative change, it occurs at a poorly conserved position in the protein, it is predicted to be benign by multiple in silico algorithms, and/or has population frequency not consistent with disease.